The following is an entry in ClinVar:

NM_000188.3(HK1):c.1289C>G (p.Thr430Ser)

Gene: HK1 (hexokinase 1; plus strand). Cytogenetic location: 10q22.1.
Variant type: single nucleotide variant.
Coding change: c.1289C>G on transcript NM_000188.3 (MANE Select); coding-DNA position 1289, C replaced by G.
Protein change: p.Thr430Ser; replaces threonine 430 with serine.
Molecular consequence: missense variant.
Genome position (GRCh38, 1-based): chr10:69,382,510, C>G. VCF-style: chr10-69382510-C-G. GRCh37 (hg19) VCF-style: chr10-71142266-C-G.
Other names: c.1301C>G, p.Thr434Ser (NM_001322364.2, NM_001358263.1, NM_033497.3 and 1 more transcripts); c.1394C>G, p.Thr465Ser (NM_001322365.2); c.1205C>G, p.Thr402Ser (NM_001322366.1); c.1193C>G, p.Thr398Ser (NM_001322367.1); c.1286C>G, p.Thr429Ser (NM_033496.3); c.1253C>G, p.Thr418Ser (NM_033500.2); short protein forms T402S, T418S, T429S, T430S, T434S, T465S, T398S.
Identifiers: ClinVar variation 3544446 (VCV003544446.4).
Genomic context (GRCh38, chr10:69,382,510, plus strand): 5'-TCCAGCTGTTGTGGAATGTCCCCCCTGCCCCCATAAGGTATTCCCGGCGTTTCCACAAGA[C>G]TCTAAGGCGCTTGGTGCCAGACTCCGATGTGCGCTTCCTCCTCTCGGAGAGTGGCAGCGG-3'
Protein context (NP_000179.2, residues 420-440): HPQYSRRFHK[Thr430Ser]LRRLVPDSDV

ClinVar aggregate classification (germline): Conflicting classifications of pathogenicity. Review status: criteria provided, conflicting classifications (1 of 4 stars). 3 submissions from 3 submitters: Uncertain significance (2); Likely benign (1). Last evaluated 2024-10-10.

Conditions:
Retinitis pigmentosa (RP). Identifiers: Orphanet 791, MedGen C0035334, MeSH D012174, MONDO:0019200, OMIM 268000. Inheritance: Autosomal dominant, autosomal recessive and X linked inheritance.

gnomAD v4.1: 53 of 1,614,226 alleles (0.0033%); highest among the groups gnomAD compares: South Asian, 0.057%; no homozygotes.

Submissions (3):

Blueprint Genetics
Classification: Likely benign. Last evaluated: 2024-10-10. Review status: criteria provided, single submitter. Criteria: ACMG Guidelines, 2015. Collection method: clinical testing. Allele origin: germline.

Lab De Baere, Eye and Developmental Genetics Lab, Ghent University
Classification: Uncertain significance for Retinitis pigmentosa. Last evaluated: 2024-10-01. Review status: criteria provided, single submitter. Criteria: ACMG Guidelines, 2015. Collection method: research. Allele origin: inherited. Affected: yes. Observed: 1 variant allele.
Comment: ACMG/AMP guidelines: PM2_PP, PP4_PP, BP1, PP2

Labcorp Genetics (formerly Invitae), Labcorp
Classification: Uncertain significance. Last evaluated: 2024-02-03. Review status: criteria provided, single submitter. Criteria: Invitae Variant Classification Sherloc (09022015). Collection method: clinical testing. Allele origin: germline.
Comment: This sequence change replaces threonine, which is neutral and polar, with serine, which is neutral and polar, at codon 430 of the HK1 protein (p.Thr430Ser). This variant is present in population databases (rs562088389, gnomAD 0.07%). This variant has not been reported in the literature in individuals affected with HK1-related conditions. Advanced modeling of protein sequence and biophysical properties (such as structural, functional, and spatial information, amino acid conservation, physicochemical variation, residue mobility, and thermodynamic stability) performed at Invitae indicates that this missense variant is not expected to disrupt HK1 protein function with a negative predictive value of 80%. In summary, the available evidence is currently insufficient to determine the role of this variant in disease. Therefore, it has been classified as a Variant of Uncertain Significance.